The following is an entry in ClinVar:

ClinVar aggregate classification (germline): Uncertain significance (1 of 4 stars; one submission).

Conditions:
Inborn genetic diseases. Identifiers: MedGen C0950123, MeSH D030342.

Submission:

Ambry Genetics
Classification: Uncertain significance for Inborn genetic diseases. Last evaluated: 2025-08-20. Review status: criteria provided, single submitter. Criteria: Ambry Variant Classification Scheme 2023. Collection method: clinical testing. Allele origin: germline.
Comment: The p.K1102R variant (also known as c.3305A>G), located in coding exon 15 of the MECOM gene, results from an A to G substitution at nucleotide position 3305. The lysine at codon 1102 is replaced by arginine, an amino acid with highly similar properties. This amino acid position is conserved. In addition, this alteration is predicted to be tolerated by in silico analysis. Based on the available evidence, the clinical significance of this variant remains unclear.

NM_004991.4(MECOM):c.3305A>G (p.Lys1102Arg)

Gene: MECOM (MDS1 and EVI1 complex locus; minus strand). Cytogenetic location: 3q26.2.
Variant type: single nucleotide variant.
Coding change: c.3305A>G on transcript NM_004991.4 (MANE Select); coding-DNA position 3305, A replaced by G.
Protein change: p.Lys1102Arg; replaces lysine 1102 with arginine.
Molecular consequence: missense variant.
Genome position (GRCh38, 1-based): chr3:169,090,096, T>C on the plus strand (A>G on the coding strand, the complement: MECOM is on the minus strand). VCF-style: chr3-169090096-T-C. GRCh37 (hg19) VCF-style: chr3-168807884-T-C.
Other names: c.2936A>G, p.Lys979Arg (NM_001105077.4); c.2741A>G, p.Lys914Arg (NM_001105078.4, NM_001205194.2, NM_001366469.2 and 1 more transcripts); c.2717A>G, p.Lys906Arg (NM_001163999.2, NM_001366470.2); c.2714A>G, p.Lys905Arg (NM_001164000.2, NM_001366471.2, NM_001366472.2); c.3278A>G, p.Lys1093Arg (NM_001366466.2); c.2744A>G, p.Lys915Arg (NM_001366467.2, NM_001366468.2); c.2306A>G, p.Lys769Arg (NM_001366473.2); c.1742A>G, p.Lys581Arg (NM_001366474.2); short protein forms K1093R, K581R, K905R, K979R, K915R, K1102R, K906R, K769R.
Identifiers: ClinVar variation 4105864 (VCV004105864.1).
Genomic context (GRCh38, chr3:169,090,096, plus strand): 5'-CTGGTTTCTTCATAGTCATCCTCAGGGTTTCCTTCATGTAAATTACTTGTCACTGGTTCC[T>C]TTCCTGTTTTTCCAGTAATATCATTGTCTTCATCCTCCTCATCTAACAACACCTCATCTT-3'
Protein context (NP_004982.2, residues 1092-1112): EDNDITGKTG[Lys1102Arg]EPVTSNLHEG